The following is an entry in ClinVar:

NM_005505.5(SCARB1):c.228C>T (p.Ser76=)

Gene: SCARB1 (scavenger receptor class B member 1; minus strand). Cytogenetic location: 12q24.31.
Variant type: single nucleotide variant.
Coding change: c.228C>T on transcript NM_005505.5 (MANE Select); coding-DNA position 228, C replaced by T.
Protein change: p.Ser76=; no amino-acid change (serine 76 retained).
Molecular consequence: synonymous variant. On other transcripts: non-coding transcript variant (9).
Genome position (GRCh38, 1-based): chr12:124,817,606, G>A on the plus strand (C>T on the coding strand, the complement: SCARB1 is on the minus strand). VCF-style: chr12-124817606-G-A. GRCh37 (hg19) VCF-style: chr12-125302152-G-A.
Other names: c.228C>T (NM_005505.4); c.228C>T, p.Ser76= (NM_001082959.2, NM_001367981.1, NM_001367983.1 and 6 more transcripts); c.105C>T, p.Ser35= (NM_001367982.1).
Identifiers: ClinVar variation 2770657 (VCV002770657.5), dbSNP rs146377057, ClinGen allele CA6870645.

ClinVar aggregate classification (germline): Benign. Review status: criteria provided, single submitter (1 of 4 stars). 2 submissions from 2 submitters: Benign (1). 1 of the submissions does not count toward it. Last evaluated 2025-07-02.

Conditions:
SCARB1-related disorder. Also called: SCARB1-related condition.

Allele frequency attached by ClinVar (database versions not stated): ESP Exome Variant Server 0.00092; 1000 Genomes Project 0.00120; TOPMed 0.00078; ExAC 0.00025; 1000 Genomes Project 30x 0.00125.
gnomAD v4.1: 203 of 1,614,212 alleles (0.013%); highest among the groups gnomAD compares: African/African-American, 0.22%; no homozygotes.

Submissions (2):

Labcorp Genetics (formerly Invitae), Labcorp
Classification: Benign. Last evaluated: 2025-07-02. Review status: criteria provided, single submitter. Criteria: Invitae Variant Classification Sherloc (09022015). Collection method: clinical testing. Allele origin: germline.

PreventionGenetics, part of Exact Sciences
Classification: Likely benign for SCARB1-related condition. Last evaluated: 2023-12-15. Review status: no assertion criteria provided. Collection method: clinical testing. Allele origin: germline. Not counted in ClinVar's aggregate classification.
Comment: This variant is classified as likely benign based on ACMG/AMP sequence variant interpretation guidelines (Richards et al. 2015 PMID: 25741868, with internal and published modifications).